The following is an entry in ClinVar:

NM_139058.3(ARX):c.1226C>A (p.Pro409Gln)

Gene: ARX (aristaless related homeobox; minus strand). Cytogenetic location: Xp21.3.
Variant type: single nucleotide variant.
Coding change: c.1226C>A on transcript NM_139058.3 (MANE Select); coding-DNA position 1226, C replaced by A.
Protein change: p.Pro409Gln; replaces proline 409 with glutamine.
Molecular consequence: missense variant.
Genome position (GRCh38, 1-based): chrX:25,007,333, G>T on the plus strand (C>A on the coding strand, the complement: ARX is on the minus strand). VCF-style: chrX-25007333-G-T. GRCh37 (hg19) VCF-style: chrX-25025450-G-T.
Other names: short protein forms P409Q.
Identifiers: ClinVar variation 645341 (VCV000645341.9), dbSNP rs1601946603, ClinGen allele CA412611463.

ClinVar aggregate classification (germline): Uncertain significance (1 of 4 stars; one submission).

Conditions:
Intellectual disability, X-linked, with or without seizures, ARX-related. Also called: MENTAL RETARDATION, X-LINKED 29; MENTAL RETARDATION, X-LINKED 32; MENTAL RETARDATION, X-LINKED 33; MENTAL RETARDATION, X-LINKED 38; MENTAL RETARDATION, X-LINKED 43; MENTAL RETARDATION, X-LINKED 76. Identifiers: Orphanet 777, MedGen C0796244, MONDO:0010317, OMIM 300419.
Developmental and epileptic encephalopathy, 1 (DEE1). Also called: OHTAHARA SYNDROME, X-LINKED; INFANTILE SPASM SYNDROME, X-LINKED 1; X-linked infantile spasms; West's syndrome; Tonic spasms with clustering, arrest of psychomotor development and hypsarrhythmia on EEG; X-Linked Infantile Spasm Syndrome. Identifiers: MedGen C3463992, MONDO:0010632, OMIM 308350. Disease mechanism: loss of function.

gnomAD v4.1: 1 of 1,143,171 alleles (0.000087%); highest among the groups gnomAD compares: Non-Finnish European, 0.00012%; no homozygotes.

Submission:

Labcorp Genetics (formerly Invitae), Labcorp
Classification: Uncertain significance for Developmental and epileptic encephalopathy, 1; Intellectual disability, X-linked, with or without seizures, ARX-related. Last evaluated: 2018-10-15. Review status: criteria provided, single submitter. Criteria: Invitae Variant Classification Sherloc (09022015). Collection method: clinical testing. Allele origin: germline.
Comment: In summary, the available evidence is currently insufficient to determine the role of this variant in disease. Therefore, it has been classified as a Variant of Uncertain Significance. Algorithms developed to predict the effect of sequence changes on RNA splicing suggest that this variant may create or strengthen a splice site, but this prediction has not been confirmed by published transcriptional studies. Algorithms developed to predict the effect of missense changes on protein structure and function (SIFT, PolyPhen-2, Align-GVGD) all suggest that this variant is likely to be disruptive, but these predictions have not been confirmed by published functional studies and their clinical significance is uncertain. This variant has not been reported in the literature in individuals with ARX-related disease. The frequency data for this variant in the population databases is considered unreliable, as metrics indicate insufficient coverage at this position in the ExAC database. This sequence change replaces proline with glutamine at codon 409 of the ARX protein (p.Pro409Gln). The proline residue is highly conserved and there is a moderate physicochemical difference between proline and glutamine.